The following is an entry in ClinVar:

NM_015425.6(POLR1A):c.21G>C (p.Met7Ile)

Genes: POLR1A (RNA polymerase I subunit A; minus strand), LOC129934243 (ATAC-STARR-seq lymphoblastoid active region 16153; plus strand). Cytogenetic location: 2p11.2.
Variant type: single nucleotide variant.
Coding change: c.21G>C on transcript NM_015425.6 (MANE Select); coding-DNA position 21, G replaced by C.
Protein change: p.Met7Ile; replaces methionine 7 with isoleucine.
Molecular consequence: missense variant.
Genome position (GRCh38, 1-based): chr2:86,105,756, C>G on the plus strand (G>C on the coding strand, the complement: POLR1A is on the minus strand). VCF-style: chr2-86105756-C-G. GRCh37 (hg19) VCF-style: chr2-86332879-C-G.
Other names: short protein forms M7I.
Identifiers: ClinVar variation 3628843 (VCV003628843.2).

ClinVar aggregate classification (germline): Uncertain significance (1 of 4 stars; one submission).

Submission:

Labcorp Genetics (formerly Invitae), Labcorp
Classification: Uncertain significance. Last evaluated: 2025-06-12. Review status: criteria provided, single submitter. Criteria: Invitae Variant Classification Sherloc (09022015). Collection method: clinical testing. Allele origin: germline.
Comment: This sequence change replaces methionine, which is neutral and non-polar, with isoleucine, which is neutral and non-polar, at codon 7 of the POLR1A protein (p.Met7Ile). This variant is not present in population databases (gnomAD no frequency). This variant has not been reported in the literature in individuals affected with POLR1A-related conditions. ClinVar contains an entry for this variant (Variation ID: 3628843). An algorithm developed to predict the effect of missense changes on protein structure and function outputs the following: PolyPhen-2: "Benign". The isoleucine amino acid residue is found in multiple mammalian species, which suggests that this missense change does not adversely affect protein function. In summary, the available evidence is currently insufficient to determine the role of this variant in disease. Therefore, it has been classified as a Variant of Uncertain Significance.